The following is an entry in ClinVar:

ClinVar aggregate classification (germline): Uncertain significance (1 of 4 stars; one submission).

Allele frequency attached by ClinVar (database versions not stated): ExAC 0.00001; gnomAD 0.00001; TOPMed 0.00001; gnomAD exomes 0.00002.
gnomAD v4.1: 24 of 1,614,048 alleles (0.0015%); highest among the groups gnomAD compares: Non-Finnish European, 0.0019%; no homozygotes.

Submission:

Ambry Genetics
Classification: Uncertain significance. Last evaluated: 2022-11-19. Review status: criteria provided, single submitter. Criteria: Ambry Variant Classification Scheme 2023. Collection method: clinical testing. Allele origin: germline.
Comment: The p.F287S variant (also known as c.860T>C), located in coding exon 6 of the POLQ gene, results from a T to C substitution at nucleotide position 860. The phenylalanine at codon 287 is replaced by serine, an amino acid with highly dissimilar properties. This amino acid position is conserved. In addition, the in silico prediction for this alteration is inconclusive. Since supporting evidence is limited at this time, the clinical significance of this alteration remains unclear.

NM_199420.4(POLQ):c.860T>C (p.Phe287Ser)

Gene: POLQ (DNA polymerase theta; minus strand). Cytogenetic location: 3q13.33.
Variant type: single nucleotide variant.
Coding change: c.860T>C on transcript NM_199420.4 (MANE Select); coding-DNA position 860, T replaced by C.
Protein change: p.Phe287Ser; replaces phenylalanine 287 with serine.
Molecular consequence: missense variant.
Genome position (GRCh38, 1-based): chr3:121,533,090, A>G on the plus strand (T>C on the coding strand, the complement: POLQ is on the minus strand). VCF-style: chr3-121533090-A-G. GRCh37 (hg19) VCF-style: chr3-121251937-A-G.
Other names: short protein forms F287S.
Identifiers: ClinVar variation 2497154 (VCV002497154.2), dbSNP rs772737860, ClinGen allele CA2563707.